The following is an entry in ClinVar:

ClinVar aggregate classification (germline): Pathogenic (1 of 4 stars; one submission).

Submission:

GeneDx
Classification: Pathogenic. Last evaluated: 2024-04-15. Review status: criteria provided, single submitter. Criteria: GeneDx Variant Classification Process June 2021. Collection method: clinical testing. Allele origin: germline. Affected: yes.
Comment: Nonsense variant predicted to result in protein truncation or nonsense mediated decay in a gene for which loss of function is a known mechanism of disease; Not observed at significant frequency in large population cohorts (gnomAD); Has not been previously published as pathogenic or benign to our knowledge

NM_017934.7(PHIP):c.97C>T (p.Gln33Ter)

Gene: PHIP (pleckstrin homology domain interacting protein; minus strand). Cytogenetic location: 6q14.1.
Variant type: single nucleotide variant.
Coding change: c.97C>T on transcript NM_017934.7 (MANE Select); coding-DNA position 97, C replaced by T.
Protein change: p.Gln33Ter; replaces glutamine 33 with a stop codon.
Molecular consequence: nonsense.
Genome position (GRCh38, 1-based): chr6:79,077,857, G>A on the plus strand (C>T on the coding strand, the complement: PHIP is on the minus strand). VCF-style: chr6-79077857-G-A. GRCh37 (hg19) VCF-style: chr6-79787574-G-A.
Other names: short protein forms Q33*.
Identifiers: ClinVar variation 3372383 (VCV003372383.1).